The following is an entry in ClinVar:

ClinVar aggregate classification (germline): Uncertain significance (1 of 4 stars; one submission).

Allele frequency attached by ClinVar (database versions not stated): gnomAD exomes below 0.00001.
gnomAD v4.1: 2 of 1,613,860 alleles (0.00012%); highest among the groups gnomAD compares: South Asian, 0.0022%; no homozygotes.

Submission:

Labcorp Genetics (formerly Invitae), Labcorp
Classification: Uncertain significance. Last evaluated: 2023-08-16. Review status: criteria provided, single submitter. Criteria: Invitae Variant Classification Sherloc (09022015). Collection method: clinical testing. Allele origin: germline.
Comment: This sequence change replaces phenylalanine, which is neutral and non-polar, with leucine, which is neutral and non-polar, at codon 1856 of the POLE protein (p.Phe1856Leu). This variant is not present in population databases (gnomAD no frequency). This variant has not been reported in the literature in individuals affected with POLE-related conditions. In summary, the available evidence is currently insufficient to determine the role of this variant in disease. Therefore, it has been classified as a Variant of Uncertain Significance. Advanced modeling of protein sequence and biophysical properties (such as structural, functional, and spatial information, amino acid conservation, physicochemical variation, residue mobility, and thermodynamic stability) performed at Invitae indicates that this missense variant is not expected to disrupt POLE protein function.

NM_006231.4(POLE):c.5568C>G (p.Phe1856Leu)

Gene: POLE (DNA polymerase epsilon, catalytic subunit; minus strand). Cytogenetic location: 12q24.33.
Variant type: single nucleotide variant.
Coding change: c.5568C>G on transcript NM_006231.4 (MANE Select); coding-DNA position 5568, C replaced by G.
Protein change: p.Phe1856Leu; replaces phenylalanine 1856 with leucine.
Molecular consequence: missense variant.
Genome position (GRCh38, 1-based): chr12:132,638,124, G>C on the plus strand (C>G on the coding strand, the complement: POLE is on the minus strand). VCF-style: chr12-132638124-G-C. GRCh37 (hg19) VCF-style: chr12-133214710-G-C.
Other names: short protein forms F1856L.
Identifiers: ClinVar variation 2852170 (VCV002852170.3), dbSNP rs1057523481, ClinGen allele CA387374187.